The following is an entry in ClinVar:

NM_022051.3(EGLN1):c.382C>A (p.Arg128Ser)

Gene: EGLN1 (egl-9 family hypoxia inducible factor 1; minus strand). Cytogenetic location: 1q42.2.
Variant type: single nucleotide variant.
Coding change: c.382C>A on transcript NM_022051.3 (MANE Select); coding-DNA position 382, C replaced by A.
Protein change: p.Arg128Ser; replaces arginine 128 with serine.
Molecular consequence: missense variant.
Genome position (GRCh38, 1-based): chr1:231,421,507, G>T on the plus strand (C>A on the coding strand, the complement: EGLN1 is on the minus strand). VCF-style: chr1-231421507-G-T. GRCh37 (hg19) VCF-style: chr1-231557253-G-T.
Other names: c.382C>A (NM_022051.2); c.382C>A, p.Arg128Ser (NM_001377260.1, NM_001377261.1); short protein forms R128S.
Identifiers: ClinVar variation 1037605 (VCV001037605.6), dbSNP rs756094298, ClinGen allele CA345237345.

ClinVar aggregate classification (germline): Uncertain significance. Review status: criteria provided, multiple submitters, no conflicts (2 of 4 stars). 2 submissions from 2 submitters: Uncertain significance (2). Last evaluated 2025-09-20.

Conditions:
Erythrocytosis, familial, 3 (ECYT3). Identifiers: Orphanet 247511, MedGen C1853286, MONDO:0012353, OMIM 609820.

Submissions (2):

Ambry Genetics
Classification: Uncertain significance. Last evaluated: 2025-09-20. Review status: criteria provided, single submitter. Criteria: Ambry Variant Classification Scheme 2023. Collection method: clinical testing. Allele origin: germline.
Comment: The p.R128S variant (also known as c.382C>A), located in coding exon 1 of the EGLN1 gene, results from a C to A substitution at nucleotide position 382. The arginine at codon 128 is replaced by serine, an amino acid with dissimilar properties. This amino acid position is conserved. In addition, this alteration is predicted to be tolerated by in silico analysis. Based on the available evidence, the clinical significance of this variant remains unclear.

Labcorp Genetics (formerly Invitae), Labcorp
Classification: Uncertain significance for Erythrocytosis, familial, 3. Last evaluated: 2021-06-11. Review status: criteria provided, single submitter. Criteria: Invitae Variant Classification Sherloc (09022015). Collection method: clinical testing. Allele origin: germline.
Comment: This variant has not been reported in the literature in individuals with EGLN1-related conditions. In summary, the available evidence is currently insufficient to determine the role of this variant in disease. Therefore, it has been classified as a Variant of Uncertain Significance. Algorithms developed to predict the effect of sequence changes on RNA splicing suggest that this variant may create or strengthen a splice site, but this prediction has not been confirmed by published transcriptional studies. Algorithms developed to predict the effect of missense changes on protein structure and function (SIFT, PolyPhen-2, Align-GVGD) all suggest that this variant is likely to be tolerated, but these predictions have not been confirmed by published functional studies and their clinical significance is uncertain. The frequency data for this variant in the population databases is considered unreliable, as metrics indicate insufficient coverage at this position in the ExAC database. This sequence change replaces arginine with serine at codon 128 of the EGLN1 protein (p.Arg128Ser). The arginine residue is weakly conserved and there is a moderate physicochemical difference between arginine and serine.